The following is an entry in ClinVar:

ClinVar aggregate classification (germline): Uncertain significance. Review status: criteria provided, multiple submitters, no conflicts (2 of 4 stars). 2 submissions from 2 submitters: Uncertain significance (2). Last evaluated 2022-07-25.

Conditions:
Hereditary cancer-predisposing syndrome. Also called: Hereditary neoplastic syndrome; Tumor predisposition; Neoplastic Syndromes, Hereditary; Hereditary Cancer Syndrome. Identifiers: Orphanet 140162, MedGen C0027672, MeSH D009386, MONDO:0015356.

Submissions (2):

Labcorp Genetics (formerly Invitae), Labcorp
Classification: Uncertain significance. Last evaluated: 2022-07-25. Review status: criteria provided, single submitter. Criteria: Invitae Variant Classification Sherloc (09022015). Collection method: clinical testing. Allele origin: germline.
Comment: ClinVar contains an entry for this variant (Variation ID: 1502847). This variant has not been reported in the literature in individuals affected with NTHL1-related conditions. This variant is not present in population databases (gnomAD no frequency). This sequence change replaces aspartic acid, which is acidic and polar, with glutamic acid, which is acidic and polar, at codon 144 of the NTHL1 protein (p.Asp144Glu). In summary, the available evidence is currently insufficient to determine the role of this variant in disease. Therefore, it has been classified as a Variant of Uncertain Significance. Algorithms developed to predict the effect of missense changes on protein structure and function are either unavailable or do not agree on the potential impact of this missense change (SIFT: "Not Available"; PolyPhen-2: "Probably Damaging"; Align-GVGD: "Not Available").

Ambry Genetics
Classification: Uncertain significance for Hereditary cancer-predisposing syndrome. Last evaluated: 2021-08-07. Review status: criteria provided, single submitter. Criteria: Ambry Variant Classification Scheme 2023. Collection method: clinical testing. Allele origin: germline.
Comment: The p.D144E variant (also known as c.432C>A), located in coding exon 3 of the NTHL1 gene, results from a C to A substitution at nucleotide position 432. The aspartic acid at codon 144 is replaced by glutamic acid, an amino acid with highly similar properties. This amino acid position is conserved. In addition, this alteration is predicted to be deleterious by in silico analysis. Since supporting evidence is limited at this time, the clinical significance of this alteration remains unclear.

NM_002528.7(NTHL1):c.408C>A (p.Asp136Glu)

Gene: NTHL1 (nth like DNA glycosylase 1; minus strand). Cytogenetic location: 16p13.3.
Variant type: single nucleotide variant.
Coding change: c.408C>A on transcript NM_002528.7 (MANE Select); coding-DNA position 408, C replaced by A.
Protein change: p.Asp136Glu; replaces aspartic acid 136 with glutamic acid.
Molecular consequence: missense variant. On other transcripts: intron variant (1).
Genome position (GRCh38, 1-based): chr16:2,044,747, G>T on the plus strand (C>A on the coding strand, the complement: NTHL1 is on the minus strand). VCF-style: chr16-2044747-G-T. GRCh37 (hg19) VCF-style: chr16-2094748-G-T.
Other names: c.78C>A, p.Asp26Glu (NM_001318194.2); c.355-1021C>A (NM_001318193.2); short protein forms D26E, D136E.
Identifiers: ClinVar variation 1502847 (VCV001502847.8), dbSNP rs1451036395, ClinGen allele CA394294507.